The following is an entry in ClinVar:

NM_000090.4(COL3A1):c.126A>C (p.Arg42Ser)

Gene: COL3A1 (collagen type III alpha 1 chain; plus strand). Cytogenetic location: 2q32.2.
Variant type: single nucleotide variant.
Coding change: c.126A>C on transcript NM_000090.4 (MANE Select); coding-DNA position 126, A replaced by C.
Protein change: p.Arg42Ser; replaces arginine 42 with serine.
Molecular consequence: missense variant.
Genome position (GRCh38, 1-based): chr2:188,984,806, A>C. VCF-style: chr2-188984806-A-C. GRCh37 (hg19) VCF-style: chr2-189849532-A-C.
Other names: short protein forms R42S.
Identifiers: ClinVar variation 2633032 (VCV002633032.1), dbSNP rs2469105686, ClinGen allele CA349846918.

ClinVar aggregate classification (germline): Uncertain significance (1 of 4 stars; one submission).

Conditions:
COL3A1-related disorder. Also called: COL3A1-related condition.

Submission:

PreventionGenetics, part of Exact Sciences
Classification: Uncertain significance for COL3A1-related condition. Last evaluated: 2023-05-19. Review status: criteria provided, single submitter. Criteria: ACMG Guidelines, 2015. Collection method: clinical testing. Allele origin: germline.
Comment: The COL3A1 c.126A>C variant is predicted to result in the amino acid substitution p.Arg42Ser. To our knowledge, this variant has not been reported in the literature or in a large population database, indicating this variant is rare. Although we suspect that this variant may be pathogenic, at this time, the clinical significance of this variant is uncertain due to the absence of conclusive functional and genetic evidence.